The following is an entry in ClinVar:

NM_004304.5(ALK):c.758T>G (p.Phe253Cys)

Gene: ALK (ALK receptor tyrosine kinase; minus strand). Cytogenetic location: 2p23.2.
Variant type: single nucleotide variant.
Coding change: c.758T>G on transcript NM_004304.5 (MANE Select); coding-DNA position 758, T replaced by G.
Protein change: p.Phe253Cys; replaces phenylalanine 253 with cysteine.
Molecular consequence: missense variant.
Genome position (GRCh38, 1-based): chr2:29,717,607, A>C on the plus strand (T>G on the coding strand, the complement: ALK is on the minus strand). VCF-style: chr2-29717607-A-C. GRCh37 (hg19) VCF-style: chr2-29940473-A-C.
Other names: c.758T>G (NM_004304.4); short protein forms F253C.
Identifiers: ClinVar variation 3710987 (VCV003710987.3).

ClinVar aggregate classification (germline): Uncertain significance. Review status: criteria provided, multiple submitters, no conflicts (2 of 4 stars). 2 submissions from 2 submitters: Uncertain significance (2). Last evaluated 2026-04-19.

Conditions:
Neuroblastoma, susceptibility to, 3. Also called: ALK-Related Neuroblastic Tumor Susceptibility. Identifiers: Orphanet 635, MedGen C2751681, MONDO:0013083, OMIM 613014.
Hereditary cancer-predisposing syndrome. Also called: Hereditary Cancer Syndrome; Hereditary neoplastic syndrome; Neoplastic Syndromes, Hereditary; Tumor predisposition. Identifiers: Orphanet 140162, MedGen C0027672, MeSH D009386, MONDO:0015356.

Submissions (2):

Ambry Genetics
Classification: Uncertain significance for Hereditary cancer-predisposing syndrome. Last evaluated: 2026-04-19. Review status: criteria provided, single submitter. Criteria: Ambry Variant Classification Scheme 2023. Collection method: clinical testing. Allele origin: germline.
Comment: The p.F253C variant (also known as c.758T>G), located in coding exon 2 of the ALK gene, results from a T to G substitution at nucleotide position 758. The phenylalanine at codon 253 is replaced by cysteine, an amino acid with highly dissimilar properties. This amino acid position is conserved. In addition, this alteration is predicted to be tolerated by in silico analysis. Based on the available evidence, the clinical significance of this variant remains unclear.

Labcorp Genetics (formerly Invitae), Labcorp
Classification: Uncertain significance for Neuroblastoma, susceptibility to, 3. Last evaluated: 2025-10-07. Review status: criteria provided, single submitter. Criteria: Invitae Variant Classification Sherloc (09022015). Collection method: clinical testing. Allele origin: germline.
Comment: This sequence change replaces phenylalanine, which is neutral and non-polar, with cysteine, which is neutral and slightly polar, at codon 253 of the ALK protein (p.Phe253Cys). This variant is not present in population databases (gnomAD no frequency). This variant has not been reported in the literature in individuals affected with ALK-related conditions. ClinVar contains an entry for this variant (Variation ID: 3710987). An algorithm developed to predict the effect of missense changes on protein structure and function (PolyPhen-2) suggests that this variant is likely to be disruptive. In summary, the available evidence is currently insufficient to determine the role of this variant in disease. Therefore, it has been classified as a Variant of Uncertain Significance.